The following is an entry in ClinVar:

NM_001012339.3(DNAJC21):c.770G>T (p.Ser257Ile)

Gene: DNAJC21 (DnaJ heat shock protein family (Hsp40) member C21; plus strand). Cytogenetic location: 5p13.2.
Variant type: single nucleotide variant.
Coding change: c.770G>T on transcript NM_001012339.3 (MANE Select); coding-DNA position 770, G replaced by T.
Protein change: p.Ser257Ile; replaces serine 257 with isoleucine.
Molecular consequence: missense variant.
Genome position (GRCh38, 1-based): chr5:34,938,884, G>T. VCF-style: chr5-34938884-G-T. GRCh37 (hg19) VCF-style: chr5-34938989-G-T.
Other names: c.770G>T, p.Ser257Ile (NM_001348420.2, NM_194283.4); short protein forms S257I.
Identifiers: ClinVar variation 2003871 (VCV002003871.4), dbSNP rs757915043, ClinGen allele CA359416109.

ClinVar aggregate classification (germline): Uncertain significance (1 of 4 stars; one submission).

Submission:

Labcorp Genetics (formerly Invitae), Labcorp
Classification: Uncertain significance. Last evaluated: 2022-06-09. Review status: criteria provided, single submitter. Criteria: Invitae Variant Classification Sherloc (09022015). Collection method: clinical testing. Allele origin: germline.
Comment: Algorithms developed to predict the effect of missense changes on protein structure and function are either unavailable or do not agree on the potential impact of this missense change (SIFT: "Deleterious"; PolyPhen-2: "Probably Damaging"; Align-GVGD: "Class C0"). In summary, the available evidence is currently insufficient to determine the role of this variant in disease. Therefore, it has been classified as a Variant of Uncertain Significance. This variant has not been reported in the literature in individuals affected with DNAJC21-related conditions. This variant is not present in population databases (gnomAD no frequency). This sequence change replaces serine, which is neutral and polar, with isoleucine, which is neutral and non-polar, at codon 257 of the DNAJC21 protein (p.Ser257Ile).